The following is an entry in ClinVar:

NM_139076.3(ABRAXAS1):c.853C>T (p.Arg285Trp)

Gene: ABRAXAS1 (abraxas 1, BRCA1 A complex subunit; minus strand). Cytogenetic location: 4q21.23.
Variant type: single nucleotide variant.
Coding change: c.853C>T on transcript NM_139076.3 (MANE Select); coding-DNA position 853, C replaced by T.
Protein change: p.Arg285Trp; replaces arginine 285 with tryptophan.
Molecular consequence: missense variant.
Genome position (GRCh38, 1-based): chr4:83,462,846, G>A on the plus strand (C>T on the coding strand, the complement: ABRAXAS1 is on the minus strand). VCF-style: chr4-83462846-G-A. GRCh37 (hg19) VCF-style: chr4-84383999-G-A.
Other names: p.R285W:CGG>TGG; c.526C>T, p.Arg176Trp (NM_001345962.2); short protein forms R285W, R176W.
Identifiers: ClinVar variation 128228 (VCV000128228.19), dbSNP rs150371881, ClinGen allele CA288658.
Genomic context (GRCh38, chr4:83,462,846, plus strand): 5'-GTCTATTTTTTAAAGACATAACACATGAATGAAGAAATTCAGAATTTGGAAAAAAGGTCC[G>A]TAATGCCTGACAAAGAAAAATGTTCTCCTGAGGGTCTTTTTGGATGTTCTTCTCTCCTAA-3'
Protein context (NP_620775.2, residues 275-295): QENIFLCQAL[Arg285Trp]TFFPNSEFLH

ClinVar aggregate classification (germline): Conflicting classifications of pathogenicity. Review status: criteria provided, conflicting classifications (1 of 4 stars). 4 submissions from 4 submitters: Uncertain significance (3); Likely benign (1). Last evaluated 2026-03-10.

Allele frequency attached by ClinVar (database versions not stated): gnomAD 0.00005 and 0.00006; TOPMed 0.00005; gnomAD exomes 0.00007; ExAC 0.00008; ESP Exome Variant Server 0.00015.
gnomAD v4.1: 129 of 1,607,414 alleles (0.008%); highest among the groups gnomAD compares: Middle Eastern, 0.066%; no homozygotes.

Submissions (4):

Women's Health and Genetics/Laboratory Corporation of America, LabCorp
Classification: Likely benign. Last evaluated: 2026-03-10. Review status: criteria provided, single submitter. Criteria: LabCorp Variant Classification Summary - May 2015. Collection method: clinical testing. Allele origin: germline.
Comment: Variant summary: FAM175A c.853C>T (p.Arg285Trp) results in a non-conservative amino acid change in the encoded protein sequence. Algorithms developed to predict the effect of missense changes on protein structure and function are either unavailable or do not agree on the potential impact of this missense change. The variant allele was found at a frequency of 8e-05 in 1608394 control chromosomes, predominantly at a frequency of 0.00035 within the South Asian subpopulation in the gnomAD database (v4.0.0). The observed variant frequency within South Asian control individuals in the gnomAD database (v 4.0.0) is approximately 11 fold of the estimated maximal expected allele frequency for a pathogenic variant in FAM175A causing Hereditary Breast And Ovarian Cancer Syndrome phenotype (3.1e-05), strongly suggesting that the variant is a benign polymorphism found primarily in populations of South Asian origin. c.853C>T has been reported in the literature in individuals affected with breast cancer or colorectal cancer (Akcay_2020, Dorling_2021). These report(s) do not provide unequivocal conclusions about association of the variant with Hereditary Breast And Ovarian Cancer Syndrome. To our knowledge, no experimental evidence demonstrating an impact on protein function has been reported. The following publications have been ascertained in the context of this evaluation (PMID: 32658311, 33471991). ClinVar contains an entry for this variant (Variation ID: 128228). Based on the evidence outlined above, the variant was classified as likely benign.

Labcorp Genetics (formerly Invitae), Labcorp
Classification: Uncertain significance. Last evaluated: 2026-01-19. Review status: criteria provided, single submitter. Criteria: Invitae Variant Classification Sherloc (09022015). Collection method: clinical testing. Allele origin: germline.
Comment: This sequence change replaces arginine, which is basic and polar, with tryptophan, which is neutral and slightly polar, at codon 285 of the ABRAXAS1 protein (p.Arg285Trp). This variant is present in population databases (rs150371881, gnomAD 0.03%). This missense change has been observed in individual(s) with breast cancer and/or colorectal cancer (PMID: 32658311). ClinVar contains an entry for this variant (Variation ID: 128228). Invitae Evidence Modeling of protein sequence and biophysical properties (such as structural, functional, and spatial information, amino acid conservation, physicochemical variation, residue mobility, and thermodynamic stability) indicates that this missense variant is not expected to disrupt ABRAXAS1 protein function with a negative predictive value of 80%. In summary, the available evidence is currently insufficient to determine the role of this variant in disease. Therefore, it has been classified as a Variant of Uncertain Significance.

Ambry Genetics
Classification: Uncertain significance. Last evaluated: 2025-10-24. Review status: criteria provided, single submitter. Criteria: Ambry Variant Classification Scheme 2023. Collection method: clinical testing. Allele origin: germline.

GeneDx
Classification: Uncertain significance. Last evaluated: 2014-01-06. Review status: criteria provided, single submitter. Criteria: GeneDx Variant Classification (06012015). Collection method: clinical testing. Allele origin: germline. Affected: yes.
Comment: FAM175A has been only recently described in association with cancer predisposition and the risks are not well understood. This variant is denoted FAM175A c.853C>T at the cDNA level, p.Arg285Trp (R285W) at the protein level, and results in the change of an Arginine to a Tryptophan (CGG>TGG). This variant has not, to our knowledge, been published in the literature as pathogenic or benign. FAM175A Arg285Trp was not observed at significant allele frequency in the NHLBI Exome Sequencing Project, suggesting it is not a common benign variant in these populations. This variant is a non-conservative substitution in which a positive polar amino acid is replaced with a neutral non-polar one, altering a position that is only moderately conserved throughout evolution and is not located in a known functional domain (UniProt). Multiple in silico algorithms predict that this variant may be damaging to protein structure and function. On a molecular level, the impact of this missense variant on protein structure and function is not known and thus we consider this to be a variant of uncertain significance. Furthermore, based on the currently available information, cancer risks associated with this variant, and the FAM175A gene, remain unclear.

Literature cited by the submitters: PubMed 32658311 (cited by Women's Health and Genetics/Laboratory Corporation of America, LabCorp and Labcorp Genetics (formerly Invitae), Labcorp); PubMed 33471991 (cited by Women's Health and Genetics/Laboratory Corporation of America, LabCorp).